The following is an entry in ClinVar:

ClinVar aggregate classification (germline): Uncertain significance. Review status: criteria provided, multiple submitters, no conflicts (2 of 4 stars). 3 submissions from 3 submitters: Uncertain significance (3). Last evaluated 2025-06-28.

Conditions:
Classic or attenuated familial adenomatous polyposis. Identifiers: MedGen CN372698, MONDO:0021057.
Hereditary cancer-predisposing syndrome. Also called: Hereditary Cancer Syndrome; Neoplastic Syndromes, Hereditary; Tumor predisposition; Hereditary neoplastic syndrome. Identifiers: Orphanet 140162, MedGen C0027672, MeSH D009386, MONDO:0015356.
Familial adenomatous polyposis 1 (FAP1). Also called: FAMILIAL ADENOMATOUS POLYPOSIS 1, ATTENUATED; POLYPOSIS, ADENOMATOUS INTESTINAL. Identifiers: MedGen C2713442, MONDO:0021056, OMIM 175100. Disease mechanism: loss of function.

Submissions (3):

Ambry Genetics
Classification: Uncertain significance for Hereditary cancer-predisposing syndrome. Last evaluated: 2025-06-28. Review status: criteria provided, single submitter. Criteria: Ambry Variant Classification Scheme 2023. Collection method: clinical testing. Allele origin: germline.
Comment: The p.C681R variant (also known as c.2041T>C), located in coding exon 15 of the APC gene, results from a T to C substitution at nucleotide position 2041. The cysteine at codon 681 is replaced by arginine, an amino acid with highly dissimilar properties. This amino acid position is conserved. In addition, in silico predictors for this gene do not accurately predict pathogenicity. Based on the available evidence, the clinical significance of this variant remains unclear.

All of Us Research Program, National Institutes of Health
Classification: Uncertain significance for Classic or attenuated familial adenomatous polyposis. Last evaluated: 2024-01-03. Review status: criteria provided, single submitter. Criteria: ACMG Guidelines, 2015. Collection method: clinical testing. Allele origin: germline. Inheritance: Autosomal dominant inheritance. Observed: 1 variant allele, 1 heterozygote.
Comment: This missense variant replaces cysteine with arginine at codon 681 of the APC protein. Computational prediction suggests that this variant may have deleterious impact on protein structure and function (internally defined REVEL score threshold >= 0.7, PMID: 27666373). To our knowledge, functional studies have not been reported for this variant. This variant has not been reported in individuals affected with APC-related disorders in the literature. This variant has not been identified in the general population by the Genome Aggregation Database (gnomAD). The available evidence is insufficient to determine the role of this variant in disease conclusively. Therefore, this variant is classified as a Variant of Uncertain Significance.

This study involves interpretation of variants in research participants for the purpose of population health screening. Participant phenotype was not available at the time of variant classification. Additional details can be found in publication PMID: 35346344, PMCID: PMC8962531

Labcorp Genetics (formerly Invitae), Labcorp
Classification: Uncertain significance for Familial adenomatous polyposis 1. Last evaluated: 2023-02-25. Review status: criteria provided, single submitter. Criteria: Invitae Variant Classification Sherloc (09022015). Collection method: clinical testing. Allele origin: germline.
Comment: In summary, the available evidence is currently insufficient to determine the role of this variant in disease. Therefore, it has been classified as a Variant of Uncertain Significance. Advanced modeling of protein sequence and biophysical properties (such as structural, functional, and spatial information, amino acid conservation, physicochemical variation, residue mobility, and thermodynamic stability) has been performed at Invitae for this missense variant, however the output from this modeling did not meet the statistical confidence thresholds required to predict the impact of this variant on APC protein function. This variant has not been reported in the literature in individuals affected with APC-related conditions. This variant is not present in population databases (gnomAD no frequency). This sequence change replaces cysteine, which is neutral and slightly polar, with arginine, which is basic and polar, at codon 681 of the APC protein (p.Cys681Arg).

NM_000038.6(APC):c.2041T>C (p.Cys681Arg)

Gene: APC (APC regulator of Wnt signaling pathway; plus strand). Cytogenetic location: 5q22.2.
Variant type: single nucleotide variant.
Coding change: c.2041T>C on transcript NM_000038.6 (MANE Select); coding-DNA position 2041, T replaced by C.
Protein change: p.Cys681Arg; replaces cysteine 681 with arginine.
Molecular consequence: missense variant. On other transcripts: non-coding transcript variant (2).
Genome position (GRCh38, 1-based): chr5:112,837,635, T>C. VCF-style: chr5-112837635-T-C. GRCh37 (hg19) VCF-style: chr5-112173332-T-C.
Other names: c.2041T>C, p.Cys681Arg (NM_001127510.3, NM_001354895.2, NM_001407450.1); c.1987T>C, p.Cys663Arg (NM_001127511.3); c.2095T>C, p.Cys699Arg (NM_001354896.2, NM_001407447.1, NM_001407448.1 and 1 more transcripts); c.2071T>C, p.Cys691Arg (NM_001354897.2); c.1966T>C, p.Cys656Arg (NM_001354898.2); c.1957T>C, p.Cys653Arg (NM_001354899.2); c.1918T>C, p.Cys640Arg (NM_001354900.2); c.1864T>C, p.Cys622Arg (NM_001354901.2, NM_001407453.1); and 12 more; short protein forms C297R, C398R, C555R, C656R, C674R, C681R, C699R, C709R.
Identifiers: ClinVar variation 3001666 (VCV003001666.5), dbSNP rs2149859329, ClinGen allele CA16025783.